The following is an entry in ClinVar:

ClinVar aggregate classification (germline): Pathogenic/Likely pathogenic. Review status: criteria provided, multiple submitters, no conflicts (2 of 4 stars). 8 submissions from 8 submitters: Pathogenic (2); Likely pathogenic (6). Last evaluated 2026-01-26.

Conditions:
Breast-ovarian cancer, familial, susceptibility to, 3. Also called: RAD51C-Related Breast/Ovarian Cancer. Identifiers: Orphanet 145, MedGen C3150659, MONDO:0013253, OMIM 613399.
Fanconi anemia complementation group O. Also called: RAD51C-Related Fanconi Anemia. Identifiers: Orphanet 84, MedGen C3150653, MONDO:0013248, OMIM 613390.
Hereditary cancer-predisposing syndrome. Also called: Tumor predisposition; Neoplastic Syndromes, Hereditary; Hereditary Cancer Syndrome; Hereditary neoplastic syndrome. Identifiers: Orphanet 140162, MedGen C0027672, MeSH D009386, MONDO:0015356.

Allele frequency attached by ClinVar (database versions not stated): gnomAD exomes below 0.00001.
gnomAD v4.1: 1 of 1,613,302 alleles (0.000062%); highest among the groups gnomAD compares: Non-Finnish European, 0.000085%; no homozygotes.

Submissions (8):

Labcorp Genetics (formerly Invitae), Labcorp
Classification: Likely pathogenic for Fanconi anemia complementation group O. Last evaluated: 2026-01-26. Review status: criteria provided, single submitter. Criteria: Invitae Variant Classification Sherloc (09022015). Collection method: clinical testing. Allele origin: germline.
Comment: This sequence change creates a premature translational stop signal (p.Gln332*) in the RAD51C gene. While this is not anticipated to result in nonsense mediated decay, it is expected to disrupt the last 45 amino acid(s) of the RAD51C protein. This variant is not present in population databases (gnomAD no frequency). This premature translational stop signal has been observed in individual(s) with ovarian cancer (PMID: 27616075). ClinVar contains an entry for this variant (Variation ID: 486279). This variant disrupts a region of the RAD51C protein in which other variant(s) (p.Ser353Hisfs*8) have been determined to be pathogenic (internal data). This suggests that this is a clinically significant region of the protein, and that variants that disrupt it are likely to be disease-causing. In summary, the currently available evidence indicates that the variant is pathogenic, but additional data are needed to prove that conclusively. Therefore, this variant has been classified as Likely Pathogenic.

Ambry Genetics
Classification: Likely pathogenic for Hereditary cancer-predisposing syndrome. Last evaluated: 2025-07-21. Review status: criteria provided, single submitter. Criteria: Ambry Variant Classification Scheme 2023. Collection method: clinical testing. Allele origin: germline.
Comment: The p.Q332* variant (also known as c.994C>T), located in coding exon 8 of the RAD51C gene, results from a C to T substitution at nucleotide position 994. This changes the amino acid from a glutamine to a stop codon within coding exon 8. This alteration occurs at the 3' terminus of theRAD51C gene, is not expected to trigger nonsense-mediated mRNA decay, and only impacts the last 45 amino acids of the protein. However, premature stop codons are typically deleterious in nature and this variant is predicted to truncate the C-terminal region of the protein including the terminal end of the RECA domain (Magrane M et al. Database (Oxford) 2011). This alteration has been detected in an individual diagnosed with ovarian cancer (Kraus C et al. Int. J. Cancer. 2017 Jan;140:95-102). This variant is considered to be rare based on population cohorts in the Genome Aggregation Database (gnomAD). Based on the majority of available evidence to date, this variant is likely to be pathogenic.

Myriad Genetics, Inc.
Classification: Pathogenic for Breast-ovarian cancer, familial, susceptibility to, 3. Last evaluated: 2025-01-31. Review status: criteria provided, single submitter. Criteria: Myriad Autosomal Dominant, Autosomal Recessive and X-Linked Classification Criteria (2023). Collection method: clinical testing. Allele origin: unknown.
Comment: This variant is considered pathogenic. This variant creates a termination codon and is predicted to result in premature protein truncation.

Baylor Genetics
Classification: Pathogenic for Breast-ovarian cancer, familial, susceptibility to, 3. Last evaluated: 2024-03-28. Review status: criteria provided, single submitter. Criteria: ACMG Guidelines, 2015. Collection method: clinical testing. Allele origin: unknown.

Institute of Medical Genetics and Applied Genomics, University Hospital Tübingen
Classification: Likely pathogenic. Last evaluated: 2021-09-15. Review status: criteria provided, single submitter. Criteria: ACMG Guidelines, 2015. Collection method: clinical testing. Allele origin: germline. Inheritance: Autosomal dominant inheritance. Affected: yes.

Color Diagnostics, LLC DBA Color Health
Classification: Likely pathogenic for Hereditary cancer-predisposing syndrome. Last evaluated: 2020-08-25. Review status: criteria provided, single submitter. Criteria: ACMG Guidelines, 2015. Collection method: clinical testing. Allele origin: germline.
Comment: This variant changes 1 nucleotide in exon 8 of the RAD51C gene, creating a translation stop signal. The mutant transcript is expected to escape nonsense-mediated decay and be expressed as a truncated protein lacking the nuclear localization signal (PMID: 12966089). To our knowledge, functional studies have not been reported for this variant. A functional study has reported that a truncation of the last 11 amino acids of the RAD51C protein partially reduced nuclear localization and ability to rescue sensitivity to mitomycin C treatment in RAD51C-deficient cell (PMID: 12966089). This variant has been reported in an individual affected with bilateral ovarian cancer (PMID: 27616075). This variant has not been identified in the general population by the Genome Aggregation Database (gnomAD). Loss of RAD51C function is a known mechanism of disease. Based on the available evidence, this variant is classified as Likely Pathogenic.

GeneDx
Classification: Likely pathogenic. Last evaluated: 2020-01-02. Review status: criteria provided, single submitter. Criteria: GeneDx Variant Classification Process June 2021. Collection method: clinical testing. Allele origin: germline. Affected: yes.
Comment: Nonsense variant in the C-terminus predicted to result in protein truncation, as the last 45 amino acids are lost including the nuclear localization signal (French 2003); Not observed in large population cohorts (Lek 2016); Observed in individuals with a personal or family history including ovarian and breast cancers (Kraus 2017); This variant is associated with the following publications: (PMID: 27616075)

Quest Diagnostics Nichols Institute San Juan Capistrano
Classification: Likely pathogenic. Last evaluated: 2019-05-30. Review status: criteria provided, single submitter. Criteria: Quest Diagnostics criteria. Collection method: clinical testing. Allele origin: germline.
Comment: The variant is predicted to result in the loss of a functional protein. Not found in the total gnomAD dataset, and the data is high quality (0/281382 chr).

Literature cited by the submitters: PubMed 27616075 (cited by 3 submitters); PubMed 33471991 (cited by Ambry Genetics).

NM_058216.3(RAD51C):c.994C>T (p.Gln332Ter)

Gene: RAD51C (RAD51 paralog C; plus strand). Cytogenetic location: 17q22.
Variant type: single nucleotide variant.
Coding change: c.994C>T on transcript NM_058216.3 (MANE Select); coding-DNA position 994, C replaced by T.
Protein change: p.Gln332Ter; replaces glutamine 332 with a stop codon.
Molecular consequence: nonsense. On other transcripts: non-coding transcript variant (1).
Genome position (GRCh38, 1-based): chr17:58,732,512, C>T. VCF-style: chr17-58732512-C-T. GRCh37 (hg19) VCF-style: chr17-56809873-C-T.
Other names: short protein forms Q332*.
Identifiers: ClinVar variation 486279 (VCV000486279.27), dbSNP rs1555605074, ClinGen allele CA400364974.
Genomic context (GRCh38, chr17:58,732,512, plus strand): 5'-TTTGTATGTATTTATTCTTTTTCTTTAAGCAGGTTGGCAACATTGTACAAGTCACCCAGC[C>T]AGAAGGAATGCACAGTACTGTTTCAAATCAAAGTCAGTATTATTTGATTAGAGTGGGATT-3'